The following is an entry in ClinVar:

NM_000238.4(KCNH2):c.397del (p.Met133fs)

Gene: KCNH2 (potassium voltage-gated channel subfamily H member 2; minus strand). Cytogenetic location: 7q36.1.
Variant type: Deletion.
Coding change: c.397del on transcript NM_000238.4 (MANE Select); coding-DNA position 397, one base deleted (A; older notation c.397delA).
Protein change: p.Met133fs; shifts the reading frame from methionine 133.
Molecular consequence: frameshift variant.
Genome position (GRCh38, 1-based): chr7:150,959,647, T deleted on the plus strand (A on the coding strand, the reverse complement: KCNH2 is on the minus strand). VCF-style (leftmost placement, unchanged base first): chr7-150959646-AT-A. GRCh37 (hg19) VCF-style: chr7-150656734-AT-A.
Other names: c.109delA, p.Met37Trpfs (NM_001406753.1, NM_001406756.1); c.220delA, p.Met74Trpfs (NM_001406755.1); c.97delA, p.Met33Trpfs (NM_001406757.1); c.397delA, p.Met133Trpfs (NM_172056.3); short protein forms M133fs.
Identifiers: ClinVar variation 1736686 (VCV001736686.2), dbSNP rs2486100894, ClinGen allele CA2580077717.

ClinVar aggregate classification (germline): Pathogenic (1 of 4 stars; one submission).

Conditions:
Cardiovascular phenotype. Identifiers: MedGen CN230736.

Submission:

Ambry Genetics
Classification: Pathogenic for Cardiovascular phenotype. Last evaluated: 2022-06-13. Review status: criteria provided, single submitter. Criteria: Ambry Variant Classification Scheme 2023. Collection method: clinical testing. Allele origin: germline.
Comment: The c.397delA pathogenic mutation, located in coding exon 3 of the KCNH2 gene, results from a deletion of one nucleotide at nucleotide position 397, causing a translational frameshift with a predicted alternate stop codon (p.M133Wfs*33). This variant is considered to be rare based on population cohorts in the Genome Aggregation Database (gnomAD). This alteration is expected to result in loss of function by premature protein truncation or nonsense-mediated mRNA decay. As such, this alteration is interpreted as a disease-causing mutation.